The following is an entry in ClinVar:

ClinVar aggregate classification (germline): Uncertain significance. Review status: criteria provided, multiple submitters, no conflicts (2 of 4 stars). 3 submissions from 3 submitters: Uncertain significance (3). Last evaluated 2024-10-22.

Conditions:
Cardiovascular phenotype. Identifiers: MedGen CN230736.
Atrial fibrillation, familial, 14 (ATFB14). Identifiers: MedGen C3809312, MONDO:0014156, OMIM 615378.

Allele frequency attached by ClinVar (database versions not stated): gnomAD exomes 0.00001 and 0.00002; ExAC 0.00002; TOPMed 0.00004; gnomAD 0.00006.

Submissions (3):

Labcorp Genetics (formerly Invitae), Labcorp
Classification: Uncertain significance for Atrial fibrillation, familial, 14. Last evaluated: 2024-10-22. Review status: criteria provided, single submitter. Criteria: Invitae Variant Classification Sherloc (09022015). Collection method: clinical testing. Allele origin: germline.
Comment: This sequence change replaces valine, which is neutral and non-polar, with methionine, which is neutral and non-polar, at codon 160 of the SCN2B protein (p.Val160Met). This variant is present in population databases (rs774317271, gnomAD 0.01%). This variant has not been reported in the literature in individuals affected with SCN2B-related conditions. ClinVar contains an entry for this variant (Variation ID: 264461). An algorithm developed to predict the effect of missense changes on protein structure and function (PolyPhen-2) suggests that this variant is likely to be disruptive. In summary, the available evidence is currently insufficient to determine the role of this variant in disease. Therefore, it has been classified as a Variant of Uncertain Significance.

Fulgent Genetics
Classification: Uncertain significance for Atrial fibrillation, familial, 14. Last evaluated: 2021-09-28. Review status: criteria provided, single submitter. Criteria: ACMG Guidelines, 2015. Collection method: clinical testing. Allele origin: unknown.

Ambry Genetics
Classification: Uncertain significance for Cardiovascular phenotype. Last evaluated: 2016-08-04. Review status: criteria provided, single submitter. Criteria: Ambry Variant Classification Scheme 2023. Collection method: clinical testing. Allele origin: germline.
Comment: The p.V160M variant (also known as c.478G>A), located in coding exon 4 of the SCN2B gene, results from a G to A substitution at nucleotide position 478. The valine at codon 160 is replaced by methionine, an amino acid with highly similar properties. This amino acid position is highly conserved in available vertebrate species. In addition, the in silico prediction for this alteration is inconclusive. Since supporting evidence is limited at this time, the clinical significance of this variant remains unclear.

NM_004588.5(SCN2B):c.478G>A (p.Val160Met)

Gene: SCN2B (sodium voltage-gated channel beta subunit 2; minus strand). Cytogenetic location: 11q23.3.
Variant type: single nucleotide variant.
Coding change: c.478G>A on transcript NM_004588.5 (MANE Select); coding-DNA position 478, G replaced by A.
Protein change: p.Val160Met; replaces valine 160 with methionine.
Molecular consequence: missense variant.
Genome position (GRCh38, 1-based): chr11:118,167,057, C>T on the plus strand (G>A on the coding strand, the complement: SCN2B is on the minus strand). VCF-style: chr11-118167057-C-T. GRCh37 (hg19) VCF-style: chr11-118037772-C-T.
Other names: short protein forms V160M.
Identifiers: ClinVar variation 264461 (VCV000264461.11), dbSNP rs774317271, ClinGen allele CA6300424.